The following is an entry in ClinVar:

NM_000051.4(ATM):c.5692C>T (p.Arg1898Ter)

Gene: ATM (ATM serine/threonine kinase; plus strand). Cytogenetic location: 11q22.3.
Variant type: single nucleotide variant.
Coding change: c.5692C>T on transcript NM_000051.4 (MANE Select); coding-DNA position 5692, C replaced by T.
Protein change: p.Arg1898Ter; replaces arginine 1898 with a stop codon.
Molecular consequence: nonsense.
Genome position (GRCh38, 1-based): chr11:108,307,914, C>T. VCF-style: chr11-108307914-C-T. GRCh37 (hg19) VCF-style: chr11-108178641-C-T.
Other names: NM_000051.4(ATM):c.5692C>T; p.Arg1898Ter; c.5692C>T, p.Arg1898Ter (NM_001351834.2); short protein forms R1898*.
Identifiers: ClinVar variation 482526 (VCV000482526.70), dbSNP rs775036118, ClinGen allele CA6265757.

ClinVar aggregate classification (germline): Pathogenic. Review status: reviewed by expert panel (3 of 4 stars). 17 submissions from 17 submitters: Pathogenic (1). 16 of the submissions do not count toward it. Last evaluated 2024-11-26.

Conditions:
Familial cancer of breast. Also called: Hereditary breast cancer; hereditary breast carcinoma; BREAST CANCER, FAMILIAL. Identifiers: Orphanet 227535, MedGen C0346153, MONDO:0016419, OMIM 114480. Disease mechanism: loss of function.
Inherited breast cancer and ovarian cancer.
ATM-related cancer predisposition. Also called: ATM-related cancer susceptibility. Identifiers: MedGen CN377759, MONDO:0700270.
Gastric cancer. Also called: Stomach cancer; Malignant tumor of stomach. Identifiers: MedGen C0024623, MeSH D013274, MONDO:0001056, OMIM 613659, HP:0012126.
Ataxia-telangiectasia syndrome (AT). Also called: ATAXIA-TELANGIECTASIA, COMPLEMENTATION GROUP A; ATAXIA-TELANGIECTASIA, FRESNO VARIANT; Ataxia-telangiectasia; Cerebello-oculocutaneous telangiectasia; Immunodeficiency with ataxia telangiectasia; Ataxia telangiectasia (A-T). Identifiers: Orphanet 100, MedGen C0004135, MONDO:0008840, OMIM 208900.
Hereditary cancer-predisposing syndrome. Also called: Hereditary neoplastic syndrome; Tumor predisposition; Neoplastic Syndromes, Hereditary; Hereditary Cancer Syndrome. Identifiers: Orphanet 140162, MedGen C0027672, MeSH D009386, MONDO:0015356.
Malignant tumor of urinary bladder. Also called: Bladder cancer; Urinary bladder cancer; Urinary Bladder Neoplasms. Identifiers: MedGen C0005684, MONDO:0001187, OMIM 109800.

Allele frequency attached by ClinVar (database versions not stated): gnomAD exomes below 0.00001 and 0.00001; ExAC 0.00001.
gnomAD v4.1: 6 of 1,613,522 alleles (0.00037%); highest among the groups gnomAD compares: African/African-American, 0.0013%; no homozygotes.

Submissions 1 to 10 of 17:

ClinGen Hereditary Breast, Ovarian and Pancreatic Cancer Variant Curation Expert Panel, ClinGen
Classification: Pathogenic for ATM-related cancer predisposition. Last evaluated: 2024-11-26. Review status: reviewed by expert panel. Criteria: ClinGen HBOP ACMG Specifications ATM V1.3.0. Collection method: curation. Allele origin: germline. Inheritance: Autosomal dominant inheritance.
Comment: The c.5692 C>T (p.Arg1898*) variant in ATM is a nonsense variant predicted to cause a premature stop codon in biologically-relevant-exon leading to nonsense mediated decay in a gene in which loss-of-function is an established disease mechanism. This alteration results in a termination codon upstream of the most C-terminal pathogenic alteration (ATM p.Arg3047*), as classified by the HBOP VCEP, and is expected to be more deleterious. This variant has been detected in at least 2 individuals with Ataxia-Telangiectasia (PMID: 17124347, 26896183). The highest population minor allele frequency in gnomAD v2.1.1 is 0.00003268 in the South Asian population (PM2_Supporting, BS1, and BA1 are not met). In summary, this variant meets the criteria to be classified as pathogenic for autosomal dominant ATM-related cancer predisposition and autosomal recessive Ataxia-Telangiectasia based on the ACMG/AMP criteria applied, as specified by the HBOP VCEP. (PVS1, PM5_Supporting, PM3_Strong)

Labcorp Genetics (formerly Invitae), Labcorp
Classification: Pathogenic for Ataxia-telangiectasia syndrome. Last evaluated: 2026-01-31. Review status: criteria provided, single submitter. Criteria: Invitae Variant Classification Sherloc (09022015). Collection method: clinical testing. Allele origin: germline. Not counted in ClinVar's aggregate classification.
Comment: This sequence change creates a premature translational stop signal (p.Arg1898*) in the ATM gene. It is expected to result in an absent or disrupted protein product. Loss-of-function variants in ATM are known to be pathogenic (PMID: 23807571, 25614872). This variant is present in population databases (rs775036118, gnomAD 0.003%). This premature translational stop signal has been observed in individual(s) with ataxia-telangiectasia and breast cancer (PMID: 17124347, 23322442, 23454770, 25077176, 25374739, 28724667). ClinVar contains an entry for this variant (Variation ID: 482526). RNA analysis performed to evaluate the impact of this premature translational stop signal on mRNA splicing indicates it does not significantly alter splicing (internal data). For these reasons, this variant has been classified as Pathogenic.

Genetics Laboratory, Great Ormond Street Hospital NHS Foundation Trust, North Thames Genomic Laboratory Hub
Classification: Pathogenic for Inherited breast cancer and ovarian cancer. Last evaluated: 2025-12-16. Review status: criteria provided, single submitter. Criteria: CanVIG ATM Gene Specific V1.2. Collection method: clinical testing. Allele origin: germline. Affected: yes. Not counted in ClinVar's aggregate classification.
Comment: PM2_supporting, PVS1_very-strong, PM5_supporting, PM3_strong

Ambry Genetics
Classification: Pathogenic for Hereditary cancer-predisposing syndrome. Last evaluated: 2025-09-29. Review status: criteria provided, single submitter. Criteria: Ambry Variant Classification Scheme 2023. Collection method: clinical testing. Allele origin: germline. Not counted in ClinVar's aggregate classification.
Comment: The p.R1898* pathogenic mutation (also known as c.5692C>T), located in coding exon 37 of the ATM gene, results from a C to T substitution at nucleotide position 5692. This changes the amino acid from an arginine to a stop codon within coding exon 37. This pathogenic mutation has been reported in the literature in conjunction with other ATM mutations in multiple individuals with ataxia telangiectasia (Magliozzi M et al. Dis. Markers 2006; 22(4):257-64; Jeddane L et al. Neuromolecular Med. 2013 Jun;15(2):288-94; Nespoli L et al. Case Reports Immunol 2013;2013:296827.doi:10.1155/2013/296827; Nakamura K et al. Mol Genet Genomic Med 2014 Jul;2(4):332-40). In addition to the clinical data presented in the literature, this alteration is expected to result in loss of function by premature protein truncation or nonsense-mediated mRNA decay. As such, this alteration is interpreted as a disease-causing mutation.

Dasa
Classification: Pathogenic for ATM-related cancer predisposition. Last evaluated: 2025-09-16. Review status: criteria provided, single submitter. Criteria: DASA Assertion Criteria. Collection method: clinical testing. Allele origin: germline. Not counted in ClinVar's aggregate classification.
Comment: NM_000051.4(ATM):c.5692C>T (p.Arg1898*) introduces a premature termination codon predicted to result in loss of normal protein function. Loss-of-function is an established mechanism of disease for this gene. The affected residue or protein region has prior evidence supporting clinical relevance. This variant has been observed in affected individuals with ATM-related cancer predisposition in a genotype context consistent with recessive disease (PMID: 26896183). This variant has been reported in individuals with ATM-related cancer predisposition (PMID: 26896183). The variant is present at low frequency in population datasets. Based on the available data, this variant is classified as pathogenic.

GeneKor MSA
Classification: Pathogenic for Hereditary cancer-predisposing syndrome. Last evaluated: 2025-06-25. Review status: criteria provided, single submitter. Criteria: ACMG Guidelines, 2015. Collection method: clinical testing. Allele origin: germline. Not counted in ClinVar's aggregate classification.
Comment: This sequence change creates a premature translational stop signal (p.Arg1898*) in the ATM gene. It is expected to result in an absent or disrupted protein product. Loss-of-function variants in ATM are known to be pathogenic (PMID:23807571, 25614872). The mutation database Clinvar contains entries for this variant (VCV000482526.58). This variant has been reported in individuals with ataxia-telangiectasia (A-T) and breast cancer (PMID:17124347, 25077176, 23454770, 25374739, 23322442, 28724667). Based on the classification criteria set by the ACMG and AMP (PMID:25741868) this variant has been classified as pathogenic. According to international guidelines it is recommended that relatives of the patient are tested for the above mutation

CeGaT Center for Human Genetics Tuebingen
Classification: Pathogenic. Last evaluated: 2024-09-01. Review status: criteria provided, single submitter. Criteria: CeGaT Center For Human Genetics Tuebingen Variant Classification Criteria Version 2. Collection method: clinical testing. Allele origin: germline. Affected: yes. Observed: 1 variant allele. Not counted in ClinVar's aggregate classification.
Comment: ATM: PVS1, PM2, PS4:Moderate

Color Diagnostics, LLC DBA Color Health
Classification: Pathogenic for Hereditary cancer-predisposing syndrome. Last evaluated: 2024-08-12. Review status: criteria provided, single submitter. Criteria: ACMG Guidelines, 2015. Collection method: clinical testing. Allele origin: germline. Not counted in ClinVar's aggregate classification.
Comment: This variant changes 1 nucleotide in exon 38/63 of the ATM gene, creating a premature translation stop signal. This variant is expected to result in an absent or non-functional protein product. This variant has been observed in individuals affected with autosomal recessive ataxia-telangiectasia (PMID: 17124347, 21665257, 23322442, 23454770, 25077176, 25374739). A number of these individuals were confirmed to carry this variant in the homozygous or compound heterozygous state, indicating that this variant contributes to disease. This variant has been identified in 2/251006 chromosomes in the general population by the Genome Aggregation Database (gnomAD). Loss of ATM function is a known mechanism of disease. Based on the available evidence, this variant is classified as Pathogenic.

Myriad Genetics, Inc.
Classification: Pathogenic for Familial cancer of breast. Last evaluated: 2024-01-25. Review status: criteria provided, single submitter. Criteria: Myriad Autosomal Dominant, Autosomal Recessive and X-Linked Classification Criteria (2023). Collection method: clinical testing. Allele origin: unknown. Not counted in ClinVar's aggregate classification.
Comment: This variant is considered pathogenic. This variant creates a termination codon and is predicted to result in premature protein truncation.

Baylor Genetics
Classification: Pathogenic for Familial cancer of breast. Last evaluated: 2024-01-22. Review status: criteria provided, single submitter. Criteria: ACMG Guidelines, 2015. Collection method: clinical testing. Allele origin: unknown. Not counted in ClinVar's aggregate classification.